The following is an entry in ClinVar:

ClinVar aggregate classification (germline): Uncertain significance. Review status: criteria provided, multiple submitters, no conflicts (2 of 4 stars). 4 submissions from 4 submitters: Uncertain significance (4). Last evaluated 2025-12-15.

Conditions:
Familial hemiplegic migraine. Identifiers: MedGen C0338484, MONDO:0000700.

Allele frequency attached by ClinVar (database versions not stated): gnomAD 0.00001; gnomAD exomes 0.00001 and 0.00002; ExAC 0.00002; TOPMed 0.00002.
gnomAD v4.1: 23 of 1,614,080 alleles (0.0014%); highest among the groups gnomAD compares: Admixed American, 0.005%; no homozygotes.

Submissions (4):

Labcorp Genetics (formerly Invitae), Labcorp
Classification: Uncertain significance for Familial hemiplegic migraine. Last evaluated: 2025-12-15. Review status: criteria provided, single submitter. Criteria: Invitae Variant Classification Sherloc (09022015). Collection method: clinical testing. Allele origin: germline.
Comment: This sequence change replaces arginine, which is basic and polar, with tryptophan, which is neutral and slightly polar, at codon 514 of the ATP1A2 protein (p.Arg514Trp). This variant is present in population databases (rs781474239, gnomAD 0.006%). This missense change has been observed in individual(s) with clinical features of ATP1A2-related conditions (PMID: 36939041). ClinVar contains an entry for this variant (Variation ID: 392452). Invitae Evidence Modeling of protein sequence and biophysical properties (such as structural, functional, and spatial information, amino acid conservation, physicochemical variation, residue mobility, and thermodynamic stability) indicates that this missense variant is expected to disrupt ATP1A2 protein function with a positive predictive value of 80%. In summary, the available evidence is currently insufficient to determine the role of this variant in disease. Therefore, it has been classified as a Variant of Uncertain Significance.

Revvity Omics, Revvity
Classification: Uncertain significance. Last evaluated: 2024-05-28. Review status: criteria provided, single submitter. Criteria: ACMG Guidelines, 2015. Collection method: clinical testing. Allele origin: germline.

Greenwood Genetic Center Diagnostic Laboratories, Greenwood Genetic Center
Classification: Uncertain significance. Last evaluated: 2022-12-20. Review status: criteria provided, single submitter. Criteria: ACMG Guidelines, 2015. Collection method: clinical testing. Allele origin: germline. Affected: yes.
Comment: PP3

GeneDx
Classification: Uncertain significance. Last evaluated: 2017-01-05. Review status: criteria provided, single submitter. Criteria: GeneDx Variant Classification (06012015). Collection method: clinical testing. Allele origin: germline. Affected: yes.
Comment: A variant of uncertain significance has been identified in the ATP1A2 gene. The R514W variant has not been published as a pathogenic variant, nor has it been reported as a benign variant to our knowledge. The R514W variant is not observed at a significant frequency in large population cohorts (Lek et al., 2016; 1000 Genomes Consortium et al., 2015; Exome Variant Server). The R514W variant is a non-conservative amino acid substitution, which is likely to impact secondary protein structure as these residues differ in polarity, charge, size and/or other properties. This substitution occurs at a position that is conserved across species, and in silico analysis predicts this variant is probably damaging to the protein structure/function. Based on the currently available information, it is unclear whether this variant is a pathogenic variant or a rare benign variant.

Literature cited by the submitters: PubMed 36939041 (cited by Labcorp Genetics (formerly Invitae), Labcorp).

NM_000702.4(ATP1A2):c.1540C>T (p.Arg514Trp)

Gene: ATP1A2 (ATPase Na+/K+ transporting subunit alpha 2; plus strand). Cytogenetic location: 1q23.2.
Variant type: single nucleotide variant.
Coding change: c.1540C>T on transcript NM_000702.4 (MANE Select); coding-DNA position 1540, C replaced by T.
Protein change: p.Arg514Trp; replaces arginine 514 with tryptophan.
Molecular consequence: missense variant.
Genome position (GRCh38, 1-based): chr1:160,130,180, C>T. VCF-style: chr1-160130180-C-T. GRCh37 (hg19) VCF-style: chr1-160099970-C-T.
Other names: short protein forms R514W.
Identifiers: ClinVar variation 392452 (VCV000392452.16), dbSNP rs781474239, ClinGen allele CA1194516.
Genomic context (GRCh38, chr1:160,130,180, plus strand): 5'-GAAGACAGCCCCCAGAGCCACGTGCTGGTGATGAAGGGGGCCCCAGAGCGCATTCTGGAC[C>T]GGTGCTCCACCATCCTGGTGCAGGGCAAGGAGATCCCGCTCGACAAGGAGATGCAAGATG-3'
Protein context (NP_000693.1, residues 504-524): MKGAPERILD[Arg514Trp]CSTILVQGKE